The following is an entry in ClinVar:

ClinVar aggregate classification (germline): Uncertain significance (1 of 4 stars; one submission).

gnomAD v4.1: 3 of 1,614,062 alleles (0.00019%); highest among the groups gnomAD compares: Non-Finnish European, 0.00025%; no homozygotes.

Submission:

CeGaT Center for Human Genetics Tuebingen
Classification: Uncertain significance. Last evaluated: 2026-05-01. Review status: criteria provided, single submitter. Criteria: CeGaT Center For Human Genetics Tuebingen Variant Classification Criteria Version 2. Collection method: clinical testing. Allele origin: germline. Affected: yes. Observed: 1 variant allele.
Comment: BMP4: PM2

NM_001202.6(BMP4):c.203G>A (p.Arg68His)

Gene: BMP4 (bone morphogenetic protein 4; minus strand). Cytogenetic location: 14q22.2.
Variant type: single nucleotide variant.
Coding change: c.203G>A on transcript NM_001202.6 (MANE Select); coding-DNA position 203, G replaced by A.
Protein change: p.Arg68His; replaces arginine 68 with histidine.
Molecular consequence: missense variant.
Genome position (GRCh38, 1-based): chr14:53,952,020, C>T on the plus strand (G>A on the coding strand, the complement: BMP4 is on the minus strand). VCF-style: chr14-53952020-C-T. GRCh37 (hg19) VCF-style: chr14-54418738-C-T.
Other names: c.344G>A, p.Arg115His (NM_001347912.1); c.14G>A, p.Arg5His (NM_001347913.2, NM_001347915.2, NM_001347917.1); c.203G>A, p.Arg68His (NM_001347914.2, NM_001347916.1, NM_130850.5 and 1 more transcripts); short protein forms R115H, R5H, R68H.
Identifiers: ClinVar variation 4873570 (VCV004873570.2).